The following is an entry in ClinVar:

ClinVar aggregate classification (germline): Pathogenic/Likely pathogenic. Review status: criteria provided, multiple submitters, no conflicts (2 of 4 stars). 4 submissions from 4 submitters: Pathogenic (2); Likely pathogenic (1). 1 of the submissions does not count toward it. Last evaluated 2024-09-08.

Conditions:
Retinal dystrophy. Also called: Inherited retinal dystrophy. Identifiers: Orphanet 71862, MedGen C0854723, MeSH D058499, MONDO:0019118, HP:0000556.
Usher syndrome type 2A. Also called: RETINAL DISEASE IN USHER SYNDROME TYPE IIA, MODIFIER OF; USHER SYNDROME, TYPE IIA. Identifiers: Orphanet 231178, Orphanet 886, MedGen C1848634, MONDO:0010169, OMIM 276901.
USH2A-related disorder. Also called: USH2A-related condition; USH2A-related disorders. Identifiers: MedGen CN239332.

Submissions (4):

Labcorp Genetics (formerly Invitae), Labcorp
Classification: Pathogenic. Last evaluated: 2024-09-08. Review status: criteria provided, single submitter. Criteria: Invitae Variant Classification Sherloc (09022015). Collection method: clinical testing. Allele origin: germline.
Comment: This sequence change affects a donor splice site in intron 19 of the USH2A gene. It is expected to disrupt RNA splicing. Variants that disrupt the donor or acceptor splice site typically lead to a loss of protein function (PMID: 16199547), and loss-of-function variants in USH2A are known to be pathogenic (PMID: 10729113, 10909849, 20507924, 25649381). This variant is not present in population databases (gnomAD no frequency). Disruption of this splice site has been observed in individuals with USH2A-related conditions (PMID: 27208204, 36729443). ClinVar contains an entry for this variant (Variation ID: 236534). Algorithms developed to predict the effect of sequence changes on RNA splicing suggest that this variant may disrupt the consensus splice site. For these reasons, this variant has been classified as Pathogenic.

Genomic Research Center, Shahid Beheshti University of Medical Sciences
Classification: Likely pathogenic for Usher syndrome type 2A. Last evaluated: 2024-05-06. Review status: criteria provided, single submitter. Criteria: ACMG Guidelines, 2015. Collection method: clinical testing. Allele origin: unknown.

Blueprint Genetics
Classification: Pathogenic for USH2A-related disorders. Last evaluated: 2022-09-15. Review status: criteria provided, single submitter. Criteria: ACMG Guidelines, 2015. Collection method: clinical testing. Allele origin: germline. Affected: yes. Observed: 2 variant alleles.

Centre for Genomic Medicine, Manchester, Central Manchester University Hospitals
Classification: Uncertain significance for Retinal dystrophy. Review status: flagged submission. Collection method: clinical testing. Allele origin: germline. Affected: yes. Not counted in ClinVar's aggregate classification.
ClinVar note: Reason: Older claim that does not account for recent evidence

Literature cited by the submitters: PubMed 16199547 (cited by Labcorp Genetics (formerly Invitae), Labcorp); PubMed 10729113 (cited by Labcorp Genetics (formerly Invitae), Labcorp); PubMed 10909849 (cited by Labcorp Genetics (formerly Invitae), Labcorp); PubMed 20507924 (cited by Labcorp Genetics (formerly Invitae), Labcorp); PubMed 25649381 (cited by Labcorp Genetics (formerly Invitae), Labcorp); PubMed 27208204 (cited by Labcorp Genetics (formerly Invitae), Labcorp); PubMed 36729443 (cited by Labcorp Genetics (formerly Invitae), Labcorp).

NM_206933.4(USH2A):c.4251+1G>A

Genes: USH2A (usherin; minus strand), USH2A-AS1 (USH2A antisense RNA 1; plus strand). Cytogenetic location: 1q41.
Variant type: single nucleotide variant.
Coding change: c.4251+1G>A on transcript NM_206933.4 (MANE Select); the canonical splice donor site of the intron after coding-DNA position 4251, G replaced by A.
Molecular consequence: splice donor variant.
Genome position (GRCh38, 1-based): chr1:216,196,552, C>T on the plus strand (G>A on the coding strand, the complement: USH2A is on the minus strand). VCF-style: chr1-216196552-C-T. GRCh37 (hg19) VCF-style: chr1-216369894-C-T.
Other names: c.4251+1G>A (NM_007123.6).
Identifiers: ClinVar variation 236534 (VCV000236534.6), dbSNP rs878853405, ClinGen allele CA10581643.